The following is an entry in ClinVar:

ClinVar aggregate classification (germline): Conflicting classifications of pathogenicity. Review status: criteria provided, conflicting classifications (1 of 4 stars). 2 submissions from 2 submitters: Uncertain significance (1); Likely benign (1). Last evaluated 2025-08-15.

Conditions:
Familial melanoma. Also called: Hereditary melanoma; Hereditary cutaneous melanoma. Identifiers: Orphanet 618, MedGen C1512419, MONDO:0018961.
Hereditary cancer-predisposing syndrome. Also called: Neoplastic Syndromes, Hereditary; Tumor predisposition; Hereditary Cancer Syndrome; Hereditary neoplastic syndrome. Identifiers: Orphanet 140162, MedGen C0027672, MeSH D009386, MONDO:0015356.

Allele frequency attached by ClinVar (database versions not stated): gnomAD exomes below 0.00001; ExAC 0.00001.

Submissions (2):

Labcorp Genetics (formerly Invitae), Labcorp
Classification: Likely benign for Familial melanoma. Last evaluated: 2025-08-15. Review status: criteria provided, single submitter. Criteria: Invitae Variant Classification Sherloc (09022015). Collection method: clinical testing. Allele origin: germline.

Ambry Genetics
Classification: Uncertain significance for Hereditary cancer-predisposing syndrome. Last evaluated: 2024-12-18. Review status: criteria provided, single submitter. Criteria: Ambry Variant Classification Scheme 2023. Collection method: clinical testing. Allele origin: germline.
Comment: The c.195C>G variant (also known as p.L65L), located in coding exon 2 of the CDKN2A gene, results from a C to G substitution at nucleotide position 195 and does not change the amino acid at position 65 of the p16 isoform. Of note, this variant is also known as p.P80A (c.238C>G) in the p14(ARF) isoform and results from a proline to alanine substitution at amino acid position 80. The evidence supporting a relationship between p14(ARF) and melanoma-pancreatic cancer syndrome is limited; therefore, the association of this variant with this gene-disease relationship is unknown. However, the association of this variant in the p16 isoform with melanoma-pancreatic cancer syndrome is unlikely.

NM_000077.5(CDKN2A):c.195C>G (p.Leu65=)

Gene: CDKN2A (cyclin dependent kinase inhibitor 2A; minus strand). Cytogenetic location: 9p21.3.
Variant type: single nucleotide variant.
Coding change: c.195C>G on transcript NM_000077.5; coding-DNA position 195, C replaced by G.
Protein change: p.Leu65=; no amino-acid change (leucine 65 retained).
Molecular consequence: synonymous variant (on NM_000077.6). On other transcripts: missense variant (1), 3 prime UTR variant (1).
Genome position (GRCh38, 1-based): chr9:21,971,164, G>C on the plus strand (C>G on the coding strand, the complement: CDKN2A is on the minus strand). VCF-style: chr9-21971164-G-C. GRCh37 (hg19) VCF-style: chr9-21971163-G-C.
Other names: c.195C>G, p.Leu65= (NM_000077.6, NM_001195132.2); c.42C>G, p.Leu14= (NM_001363763.2); c.238C>G, p.Pro80Ala (NM_058195.4); c.*118C>G (NM_058197.5); short protein forms P80A.
Identifiers: ClinVar variation 820419 (VCV000820419.7), dbSNP rs780893836, ClinGen allele CA5012212.